The following is an entry in ClinVar:

NM_000059.4(BRCA2):c.6062A>G (p.His2021Arg)

Gene: BRCA2 (BRCA2 DNA repair associated; plus strand). Cytogenetic location: 13q13.1.
Variant type: single nucleotide variant.
Coding change: c.6062A>G on transcript NM_000059.4 (MANE Select); coding-DNA position 6062, A replaced by G.
Protein change: p.His2021Arg; replaces histidine 2021 with arginine.
Molecular consequence: missense variant.
Genome position (GRCh38, 1-based): chr13:32,340,417, A>G. VCF-style: chr13-32340417-A-G. GRCh37 (hg19) VCF-style: chr13-32914554-A-G.
Other names: short protein forms H2021R.
Identifiers: ClinVar variation 185748 (VCV000185748.19), dbSNP rs780621780, ClinGen allele CA023588.

ClinVar aggregate classification (germline): Conflicting classifications of pathogenicity. Review status: criteria provided, conflicting classifications (1 of 4 stars). 7 submissions from 7 submitters: Uncertain significance (5); Likely benign (1). 1 of the submissions does not count toward it. Last evaluated 2025-11-19.

Conditions:
Hereditary breast ovarian cancer syndrome. Also called: Hereditary breast and ovarian cancer; Hereditary breast and ovarian cancer syndrome; Breast and ovarian cancer; Hereditary breast and ovarian cancer syndrome (HBOC); Hereditary breast and/or ovarian cancer syndrome; BRCA1- and BRCA2-Associated Hereditary Breast and Ovarian Cancer. Identifiers: Orphanet 145, MedGen C0677776, MeSH D061325, MONDO:0003582. Disease mechanism: loss of function.
Hereditary cancer-predisposing syndrome. Also called: Hereditary Cancer Syndrome; Neoplastic Syndromes, Hereditary; Tumor predisposition; Hereditary neoplastic syndrome. Identifiers: Orphanet 140162, MedGen C0027672, MeSH D009386, MONDO:0015356.
Breast-ovarian cancer, familial, susceptibility to, 2 (BROVCA2). Also called: BRCA2 Hereditary Breast and Ovarian Cancer. Identifiers: Orphanet 145, MedGen C2675520, MONDO:0012933, OMIM 612555. Disease mechanism: loss of function.

Submissions (7):

Ambry Genetics
Classification: Uncertain significance for Hereditary cancer-predisposing syndrome. Last evaluated: 2025-11-19. Review status: criteria provided, single submitter. Criteria: Ambry Variant Classification Scheme 2023. Collection method: clinical testing. Allele origin: germline.
Comment: The p.H2021R variant (also known as c.6062A>G), located in coding exon 10 of the BRCA2 gene, results from an A to G substitution at nucleotide position 6062. The histidine at codon 2021 is replaced by arginine, an amino acid with highly similar properties. This variant was identified in an Italian breast/ovarian cancer cohort (Zuntini R et al. Front Genet, 2018 Sep;9:378). This amino acid position is not well conserved in available vertebrate species. In addition, this alteration is predicted to be tolerated by in silico analysis. Since supporting evidence is limited at this time, the clinical significance of this alteration remains unclear.

Labcorp Genetics (formerly Invitae), Labcorp
Classification: Uncertain significance for Hereditary breast ovarian cancer syndrome. Last evaluated: 2025-06-29. Review status: criteria provided, single submitter. Criteria: Invitae Variant Classification Sherloc (09022015). Collection method: clinical testing. Allele origin: germline.
Comment: This sequence change replaces histidine, which is basic and polar, with arginine, which is basic and polar, at codon 2021 of the BRCA2 protein (p.His2021Arg). This variant is not present in population databases (gnomAD no frequency). This missense change has been observed in individual(s) with breast and/or ovarian cancer (PMID: 30254663). ClinVar contains an entry for this variant (Variation ID: 185748). Invitae Evidence Modeling of protein sequence and biophysical properties (such as structural, functional, and spatial information, amino acid conservation, physicochemical variation, residue mobility, and thermodynamic stability) indicates that this missense variant is not expected to disrupt BRCA2 protein function with a negative predictive value of 95%. In summary, the available evidence is currently insufficient to determine the role of this variant in disease. Therefore, it has been classified as a Variant of Uncertain Significance.

Quest Diagnostics Nichols Institute San Juan Capistrano
Classification: Uncertain significance. Last evaluated: 2024-06-11. Review status: criteria provided, single submitter. Criteria: Quest Diagnostics criteria. Collection method: clinical testing. Allele origin: unknown.
Comment: The BRCA2 c.6062A>G (p.His2021Arg) variant has been reported in the published literature to be located in a region of the BRCA2 gene that is tolerant to missense sequence changes (PMID: 31911673 (2020)). In addition, this variant has been identified in an individual undergoing multigene panel testing (PMID: 31853058 (2020)). This variant has not been reported in large, multi-ethnic general populations (Genome Aggregation Database). Analysis of this variant using bioinformatics tools for the prediction of the effect of amino acid changes on protein structure and function yielded predictions that this variant is benign. Based on the available information, we are unable to determine the clinical significance of this variant.

University of Washington Department of Laboratory Medicine, University of Washington
Classification: Likely benign for Hereditary cancer-predisposing syndrome. Last evaluated: 2023-03-23. Review status: criteria provided, single submitter. Criteria: Dines et al. (Genet Med. 2020). Collection method: curation. Allele origin: germline.
Comment: Missense variant in a coldspot region where missense variants are very unlikely to be pathogenic (PMID:31911673).

BRCA2 exon 11 coldspot. Reclassification based on statistical prior probability.

Color Diagnostics, LLC DBA Color Health
Classification: Uncertain significance for Hereditary cancer-predisposing syndrome. Last evaluated: 2019-06-05. Review status: criteria provided, single submitter. Criteria: ACMG Guidelines, 2015. Collection method: clinical testing. Allele origin: germline.

Women's Health and Genetics/Laboratory Corporation of America, LabCorp
Classification: Uncertain significance. Last evaluated: 2017-01-23. Review status: criteria provided, single submitter. Criteria: LabCorp Variant Classification Summary - May 2015. Collection method: clinical testing. Allele origin: germline.
Comment: Variant summary: The BRCA2 c.6062A>G (p.His2021Arg) variant involves the alteration of a non-conserved nucleotide. 3/4 in silico tools predict a benign outcome for this substitution (SNPs&GO not captured due to low reliability index). This variant is absent in 120670 control chromosomes. The variant of interest has not, to our knowledge, been reported in affected individuals via publications; nor evaluated for functional impact by in vivo/vitro studies. UMD lists the variant in one individual with a co-occurrence with a pathogenic BRCA2 c.4889C>G (p.Ser1630X, classified as pathogenic by LCA) variant suggesting neutrality. One clinical diagnostic laboratory classified this variant as uncertain significance. Taken together, the variant was classified as VUS-possibly benign.

Department of Medical and Surgical Sciences, University of Bologna
Classification: Likely benign for Breast-ovarian cancer, familial, susceptibility to, 2. Last evaluated: 2023-09-01. Review status: no assertion criteria provided. Collection method: clinical testing. Allele origin: germline. Affected: yes. Not counted in ClinVar's aggregate classification.
Comment: PM2(Supporting)+BP1(Strong) according to ACMG/AMP classification guidelines specified for BRCA1 & BRCA2 (Classification Criteria V1.0.0 2023-09-08) (PMID: 38160042)

Literature cited by the submitters: PubMed 30254663 (cited by Ambry Genetics and Labcorp Genetics (formerly Invitae), Labcorp); PubMed 31911673 (cited by Quest Diagnostics Nichols Institute San Juan Capistrano); PubMed 31853058 (cited by Quest Diagnostics Nichols Institute San Juan Capistrano).